The following is an entry in ClinVar:

ClinVar aggregate classification (germline): Uncertain significance (1 of 4 stars; one submission).

Conditions:
Cardiovascular phenotype. Identifiers: MedGen CN230736.

Submission:

Ambry Genetics
Classification: Uncertain significance for Cardiovascular phenotype. Last evaluated: 2021-12-22. Review status: criteria provided, single submitter. Criteria: Ambry Variant Classification Scheme 2023. Collection method: clinical testing. Allele origin: germline.
Comment: The p.H268Y variant (also known as c.802C>T), located in coding exon 6 of the LAMP2 gene, results from a C to T substitution at nucleotide position 802. The histidine at codon 268 is replaced by tyrosine, an amino acid with similar properties. This amino acid position is poorly conserved in available vertebrate species. In addition, this alteration is predicted to be tolerated by in silico analysis. Since supporting evidence is limited at this time, the clinical significance of this alteration remains unclear.

NM_002294.3(LAMP2):c.802C>T (p.His268Tyr)

Gene: LAMP2 (lysosomal associated membrane protein 2; minus strand). Cytogenetic location: Xq24.
Variant type: single nucleotide variant.
Coding change: c.802C>T on transcript NM_002294.3 (MANE Select); coding-DNA position 802, C replaced by T.
Protein change: p.His268Tyr; replaces histidine 268 with tyrosine.
Molecular consequence: missense variant.
Genome position (GRCh38, 1-based): chrX:120,446,367, G>A on the plus strand (C>T on the coding strand, the complement: LAMP2 is on the minus strand). VCF-style: chrX-120446367-G-A. GRCh37 (hg19) VCF-style: chrX-119580222-G-A.
Other names: c.802C>T, p.His268Tyr (NM_001122606.1, NM_013995.2); short protein forms H268Y.
Identifiers: ClinVar variation 1761728 (VCV001761728.2), dbSNP rs2520876937, ClinGen allele CA414400900.